The following is an entry in ClinVar:

NM_000059.4(BRCA2):c.2805_2806delinsG (p.Asp935fs)

Gene: BRCA2 (BRCA2 DNA repair associated; plus strand). Cytogenetic location: 13q13.1.
Variant type: Indel.
Coding change: c.2805_2806delinsG on transcript NM_000059.4 (MANE Select); coding-DNA positions 2805 to 2806, TA replaced by G.
Protein change: p.Asp935fs; shifts the reading frame from aspartic acid 935.
Molecular consequence: frameshift variant. On other transcripts: non-coding transcript variant (1), intron variant (2).
Genome position (GRCh38, 1-based): chr13:32,337,160-32,337,161, TA replaced by G. VCF-style: chr13-32337160-TA-G. GRCh37 (hg19) VCF-style: chr13-32911297-TA-G.
Other names: c.2805_2806delinsG, p.Asp935fs (NM_001406719.1, NM_001406720.1, NM_001432077.1); c.1909+3773_1909+3774delinsG (NM_001406721.1); c.424+6130_424+6131delinsG (NM_001406722.1); short protein forms D935fs.
Identifiers: ClinVar variation 4628537 (VCV004628537.1).

ClinVar aggregate classification (germline): Pathogenic (1 of 4 stars; one submission).

Conditions:
Hereditary cancer-predisposing syndrome. Also called: Neoplastic Syndromes, Hereditary; Tumor predisposition; Hereditary Cancer Syndrome; Hereditary neoplastic syndrome. Identifiers: Orphanet 140162, MedGen C0027672, MeSH D009386, MONDO:0015356.

Submission:

Ambry Genetics
Classification: Pathogenic for Hereditary cancer-predisposing syndrome. Last evaluated: 2025-09-26. Review status: criteria provided, single submitter. Criteria: Ambry Variant Classification Scheme 2023. Collection method: clinical testing. Allele origin: germline.
Comment: The c.2805_2806delTAinsG pathogenic mutation, located in coding exon 10 of the BRCA2 gene, results from the deletion of two nucleotides and insertion of one nucleotide causing a translational frameshift with a predicted alternate stop codon (p.D935Efs*25). This variant is considered to be rare based on population cohorts in the Genome Aggregation Database (gnomAD). This alteration is expected to result in loss of function by premature protein truncation or nonsense-mediated mRNA decay. As such, this alteration is interpreted as a disease-causing mutation.